The following is an entry in ClinVar:

NM_016529.6(ATP8A2):c.2293G>T (p.Asp765Tyr)

Gene: ATP8A2 (ATPase phospholipid transporting 8A2). Cytogenetic location: 13q12.13.
Variant type: single nucleotide variant.
Coding change: c.2293G>T on transcript NM_016529.6 (MANE Select); coding-DNA position 2293, G replaced by T.
Protein change: p.Asp765Tyr; replaces aspartic acid 765 with tyrosine.
Molecular consequence: missense variant.
Genome position (GRCh38, 1-based): chr13:25,699,254, G>T. VCF-style: chr13-25699254-G-T. GRCh37 (hg19) VCF-style: chr13-26273392-G-T.
Other names: c.2173G>T, p.Asp725Tyr (NM_001313741.1); short protein forms D765Y, D725Y.
Identifiers: ClinVar variation 418701 (VCV000418701.3), dbSNP rs1064793377, ClinGen allele CA16619626.

ClinVar aggregate classification (germline): Likely pathogenic. Review status: criteria provided, multiple submitters, no conflicts (2 of 4 stars). 2 submissions from 2 submitters: Likely pathogenic (2). Last evaluated 2024-03-26.

Conditions:
Cerebellar ataxia, impaired intellectual development, and dysequilibrium syndrome 4. Also called: Cerebellar ataxia, intellectual disability, and dysequilibrium syndrome 4; CEREBELLAR ATAXIA AND MENTAL RETARDATION WITH OR WITHOUT QUADRUPEDAL LOCOMOTION 4; Cerebellar ataxia, mental retardation, and dysequilibrium syndrome 4. Identifiers: Orphanet 1766, MedGen C3808977, MONDO:0014104, OMIM 615268.

Submissions (2):

Genomic Medicine Center of Excellence, King Faisal Specialist Hospital and Research Centre
Classification: Likely pathogenic for Cerebellar ataxia, impaired intellectual development, and dysequilibrium syndrome 4. Last evaluated: 2024-03-26. Review status: criteria provided, single submitter. Criteria: ACMG Guidelines, 2015. Collection method: clinical testing. Allele origin: germline.

GeneDx
Classification: Likely pathogenic. Last evaluated: 2015-03-16. Review status: criteria provided, single submitter. Criteria: GeneDx Variant Classification (06012015). Collection method: clinical testing. Allele origin: germline. Affected: yes.
Comment: The D765Y variant in the ATP8A2 gene has not been published as a pathogenic variant, nor has it been reported as a benign polymorphism to our knowledge. The D765Y variant was not observed in approximately 6,100 individuals of European and African American ancestry in the NHLBI Exome Sequencing Project, indicating it is not a common benign variant in these populations. The D765Y variant is a non-conservative amino acid substitution, which is likely to impact secondary protein structure as these residues differ in polarity, charge, size and/or other properties. This substitution occurs at a position that is conserved across species. In silico analysis predicts this variant is probably damaging to the protein structure/function. The D765Y variant is a good candidate for a disease-causing variant, however the possibility it may be a rare benign variant cannot be excluded.